The following is an entry in ClinVar:

ClinVar aggregate classification (germline): Likely pathogenic (1 of 4 stars; one submission).

Conditions:
Usher syndrome type 1B (USH1B). Also called: Usher syndrome type IB. Identifiers: MedGen C1848638, MONDO:0700087.

Submission:

Natera, Inc.
Classification: Likely pathogenic for Usher syndrome type 1B. Last evaluated: 2024-12-30. Review status: criteria provided, single submitter. Criteria: Natera Variant Classification Schema (03/2026). Collection method: clinical testing. Allele origin: germline.
Comment: The c.4062G>A variant in MYO7A is a nonsense variant predicted to introduce a stop codon at amino acid 1354. This variant is expected to result in nonsense mediated decay, truncation, or a dysfunctional protein product. This variant is rare in the general population with a frequency below the threshold expected for the associated phenotype(s). Given the available evidence, this variant is classified as Likely Pathogenic.

NM_000260.4(MYO7A):c.4062G>A (p.Trp1354Ter)

Gene: MYO7A (myosin VIIA; plus strand). Cytogenetic location: 11q13.5.
Variant type: single nucleotide variant.
Coding change: c.4062G>A on transcript NM_000260.4 (MANE Select); coding-DNA position 4062, G replaced by A.
Protein change: p.Trp1354Ter; replaces tryptophan 1354 with a stop codon.
Molecular consequence: nonsense.
Genome position (GRCh38, 1-based): chr11:77,192,188, G>A. VCF-style: chr11-77192188-G-A. GRCh37 (hg19) VCF-style: chr11-76903233-G-A.
Other names: c.4062G>A, p.Trp1354Ter (NM_001127180.2); c.4029G>A, p.Trp1343Ter (NM_001369365.1); short protein forms W1343*, W1354*.
Identifiers: ClinVar variation 4818028 (VCV004818028.1).